The following is an entry in ClinVar:

ClinVar aggregate classification (germline): Uncertain significance. Review status: criteria provided, multiple submitters, no conflicts (2 of 4 stars). 2 submissions from 2 submitters: Uncertain significance (2). Last evaluated 2025-09-10.

Conditions:
MYO18B-related disorder. Also called: MYO18B-related condition.

gnomAD v4.1: 14 of 1,613,838 alleles (0.00087%); highest among the groups gnomAD compares: Admixed American, 0.013%; no homozygotes.

Submissions (2):

PreventionGenetics, part of Exact Sciences
Classification: Uncertain significance for MYO18B-related condition. Last evaluated: 2025-09-10. Review status: criteria provided, single submitter. Criteria: ACMG Guidelines, 2015. Collection method: clinical testing. Allele origin: germline.
Comment: The MYO18B c.7225C>A variant is predicted to result in the amino acid substitution p.Arg2409Ser. To our knowledge, this variant has not been reported in the literature. This variant is reported in 0.017% of alleles in individuals of Latino descent in gnomAD. At this time, the clinical significance of this variant is uncertain due to the absence of conclusive functional and genetic evidence.

Labcorp Genetics (formerly Invitae), Labcorp
Classification: Uncertain significance. Last evaluated: 2023-10-24. Review status: criteria provided, single submitter. Criteria: Invitae Variant Classification Sherloc (09022015). Collection method: clinical testing. Allele origin: germline.
Comment: This sequence change replaces arginine, which is basic and polar, with serine, which is neutral and polar, at codon 2409 of the MYO18B protein (p.Arg2409Ser). This variant is present in population databases (rs763160003, gnomAD 0.02%). This variant has not been reported in the literature in individuals affected with MYO18B-related conditions. ClinVar contains an entry for this variant (Variation ID: 1481434). An algorithm developed to predict the effect of missense changes on protein structure and function (PolyPhen-2) suggests that this variant¬†is likely to be tolerated. In summary, the available evidence is currently insufficient to determine the role of this variant in disease. Therefore, it has been classified as a Variant of Uncertain Significance.

NM_032608.7(MYO18B):c.7225C>A (p.Arg2409Ser)

Gene: MYO18B (myosin XVIIIB; plus strand). Cytogenetic location: 22q12.1.
Variant type: single nucleotide variant.
Coding change: c.7225C>A on transcript NM_032608.7 (MANE Select); coding-DNA position 7225, C replaced by A.
Protein change: p.Arg2409Ser; replaces arginine 2409 with serine.
Molecular consequence: missense variant.
Genome position (GRCh38, 1-based): chr22:26,027,199, C>A. VCF-style: chr22-26027199-C-A. GRCh37 (hg19) VCF-style: chr22-26423165-C-A.
Other names: c.7228C>A, p.Arg2410Ser (NM_001318245.2); c.7225C>A (NM_032608.6); short protein forms R2410S, R2409S.
Identifiers: ClinVar variation 1481434 (VCV001481434.5), dbSNP rs763160003, ClinGen allele CA10161728.